The following is an entry in ClinVar:

NM_012434.5(SLC17A5):c.760A>G (p.Lys254Glu)

Gene: SLC17A5 (solute carrier family 17 member 5; minus strand). Cytogenetic location: 6q13.
Variant type: single nucleotide variant.
Coding change: c.760A>G on transcript NM_012434.5 (MANE Select); coding-DNA position 760, A replaced by G.
Protein change: p.Lys254Glu; replaces lysine 254 with glutamic acid.
Molecular consequence: missense variant.
Genome position (GRCh38, 1-based): chr6:73,635,441, T>C on the plus strand (A>G on the coding strand, the complement: SLC17A5 is on the minus strand). VCF-style: chr6-73635441-T-C. GRCh37 (hg19) VCF-style: chr6-74345164-T-C.
Other names: c.529A>G, p.Lys177Glu (NM_001382629.1); c.760A>G, p.Lys254Glu (NM_001382630.1, NM_001382633.1, NM_001382634.1); c.781A>G, p.Lys261Glu (NM_001382631.1); c.673A>G, p.Lys225Glu (NM_001382632.1); c.757A>G, p.Lys253Glu (NM_001382635.1); c.442A>G, p.Lys148Glu (NM_001382636.1); short protein forms K148E, K177E, K225E, K253E, K254E, K261E.
Identifiers: ClinVar variation 2415016 (VCV002415016.4), dbSNP rs142050507, ClinGen allele CA140972038.

ClinVar aggregate classification (germline): Uncertain significance. Review status: criteria provided, multiple submitters, no conflicts (2 of 4 stars). 2 submissions from 2 submitters: Uncertain significance (2). Last evaluated 2024-06-19.

Conditions:
Salla disease (SD). Also called: Less Severe FSASD (Salla Disease); Sialuria, Finnish type; N-acetylneuraminic acid (NANA) storage disease (NSD); Infantile sialic acid storage disorder (ISSD). Identifiers: Orphanet 309334, Orphanet 834, MedGen C1096903, MONDO:0011449, OMIM 604369.
Sialic acid storage disease, severe infantile type (ISSD). Also called: INFANTILE SIALIC ACID STORAGE DISORDER; N-ACETYLNEURAMINIC ACID STORAGE DISEASE; NANA STORAGE DISEASE; SIALURIA, INFANTILE FORM; Infantile Sialic Acid Storage Disease; Free sialic acid storage disease, infantile form. Identifiers: Orphanet 309324, Orphanet 834, MedGen C1096902, MONDO:0010027, OMIM 269920.

Allele frequency attached by ClinVar (database versions not stated): gnomAD exomes 0.00001; gnomAD 0.00002; TOPMed 0.00002; ESP Exome Variant Server 0.00008.
gnomAD v4.1: 9 of 1,610,068 alleles (0.00056%); highest among the groups gnomAD compares: African/African-American, 0.0027%; no homozygotes.

Submissions (2):

Fulgent Genetics
Classification: Uncertain significance for Sialic acid storage disease, severe infantile type; Salla disease. Last evaluated: 2024-06-19. Review status: criteria provided, single submitter. Criteria: ACMG Guidelines, 2015. Collection method: clinical testing. Allele origin: germline.

Labcorp Genetics (formerly Invitae), Labcorp
Classification: Uncertain significance for Salla disease. Last evaluated: 2022-06-22. Review status: criteria provided, single submitter. Criteria: Invitae Variant Classification Sherloc (09022015). Collection method: clinical testing. Allele origin: germline.
Comment: This sequence change replaces lysine, which is basic and polar, with glutamic acid, which is acidic and polar, at codon 254 of the SLC17A5 protein (p.Lys254Glu). The frequency data for this variant in the population databases is considered unreliable, as metrics indicate poor data quality at this position in the gnomAD database. This variant has not been reported in the literature in individuals affected with SLC17A5-related conditions. Algorithms developed to predict the effect of missense changes on protein structure and function are either unavailable or do not agree on the potential impact of this missense change (SIFT: "Deleterious"; PolyPhen-2: "Benign"; Align-GVGD: "Class C0"). In summary, the available evidence is currently insufficient to determine the role of this variant in disease. Therefore, it has been classified as a Variant of Uncertain Significance.